The following is an entry in ClinVar:

NM_001161403.3(LIMS2):c.461T>G (p.Phe154Cys)

Gene: LIMS2 (LIM zinc finger domain containing 2; minus strand). Cytogenetic location: 2q14.3.
Variant type: single nucleotide variant.
Coding change: c.461T>G on transcript NM_001161403.3 (MANE Select); coding-DNA position 461, T replaced by G.
Protein change: p.Phe154Cys; replaces phenylalanine 154 with cysteine.
Molecular consequence: missense variant.
Genome position (GRCh38, 1-based): chr2:127,642,971, A>C on the plus strand (T>G on the coding strand, the complement: LIMS2 is on the minus strand). VCF-style: chr2-127642971-A-C. GRCh37 (hg19) VCF-style: chr2-128400546-A-C.
Other names: c.527T>G, p.Phe176Cys (NM_001136037.4); c.446T>G, p.Phe149Cys (NM_001161404.2); c.5T>G, p.Phe2Cys (NM_001161405.1, NM_001256542.2); c.533T>G, p.Phe178Cys (NM_017980.5); short protein forms F178C, F2C, F154C, F149C, F176C.
Identifiers: ClinVar variation 1991635 (VCV001991635.4), dbSNP rs781141969, ClinGen allele CA1863048.
Genomic context (GRCh38, chr2:127,642,971, plus strand): 5'-CTGCGCACCTACCCACAGTGGGTGCAGTTGAAGTGGTCAGGGTGGTAGGCGTCGCTCCTG[A>C]ACATGAGGGGCTGCTCGTCGATGACCAGGTGGCACCGCTGGCAGATGTACTTGCCCAGGC-3'
Protein context (NP_001154875.1, residues 144-164): HLVIDEQPLM[Phe154Cys]RSDAYHPDHF

ClinVar aggregate classification (germline): Uncertain significance (1 of 4 stars; one submission).

Conditions:
Autosomal recessive limb-girdle muscular dystrophy type 2W (MDRCMTT). Also called: Muscular dystrophy, limb-girdle, type 2W; Muscular dystrophy, autosomal recessive, with cardiomyopathy and triangular tongue. Identifiers: MedGen C4225192, MONDO:0014788, OMIM 616827.

Allele frequency attached by ClinVar (database versions not stated): TOPMed below 0.00001; gnomAD exomes 0.00002; ExAC 0.00004.
gnomAD v4.1: 30 of 1,572,182 alleles (0.0019%); highest among the groups gnomAD compares: Non-Finnish European, 0.0024%; no homozygotes.

Submission:

Labcorp Genetics (formerly Invitae), Labcorp
Classification: Uncertain significance for Autosomal recessive limb-girdle muscular dystrophy type 2W. Last evaluated: 2022-08-21. Review status: criteria provided, single submitter. Criteria: Invitae Variant Classification Sherloc (09022015). Collection method: clinical testing. Allele origin: germline.
Comment: In summary, the available evidence is currently insufficient to determine the role of this variant in disease. Therefore, it has been classified as a Variant of Uncertain Significance. Algorithms developed to predict the effect of missense changes on protein structure and function (SIFT, PolyPhen-2, Align-GVGD) all suggest that this variant is likely to be disruptive. This variant has not been reported in the literature in individuals affected with LIMS2-related conditions. This variant is present in population databases (rs781141969, gnomAD 0.001%). This sequence change replaces phenylalanine, which is neutral and non-polar, with cysteine, which is neutral and slightly polar, at codon 176 of the LIMS2 protein (p.Phe176Cys).